The following is an entry in ClinVar:

NM_001165963.4(SCN1A):c.4133_4134insATAA (p.Asn1378delinsLysTer)

Genes: SCN1A (sodium voltage-gated channel alpha subunit 1; minus strand), LOC102724058 (uncharacterized LOC102724058; plus strand). Cytogenetic location: 2q24.3.
Variant type: Insertion.
Coding change: c.4133_4134insATAA on transcript NM_001165963.4 (MANE Select); coding-DNA positions 4133 to 4134, ATAA inserted.
Protein change: p.Asn1378delinsLysTer.
Molecular consequence: nonsense. On other transcripts: non-coding transcript variant (1).
Genome position: GRCh38 VCF-style: chr2-166002622-G-GTTAT. GRCh37 (hg19) VCF-style: chr2-166859132-G-GTTAT.
Other names: c.4100_4101insATAA, p.Asn1367delinsLysTer (NM_006920.6, NM_001353952.2, NM_001353949.2 and 2 more transcripts); c.4097_4098insATAA, p.Asn1366delinsLysTer (NM_001353954.2, NM_001353955.2); c.4049_4050insATAA, p.Asn1350delinsLysTer (NM_001353957.2, NM_001353958.2, NM_001165964.3); c.4046_4047insATAA, p.Asn1349delinsLysTer (NM_001353960.2); c.1691_1692insATAA, p.Asn564delinsLysTer (NM_001353961.2); c.4133_4134insATAA, p.Asn1378delinsLysTer (NM_001202435.3, NM_001353948.2).
Identifiers: ClinVar variation 2697118 (VCV002697118.3), dbSNP rs2468436184, ClinGen allele CA2697551211.

ClinVar aggregate classification (germline): Pathogenic (1 of 4 stars; one submission).

Conditions:
Early-infantile DEE. Also called: Ohtahara syndrome; Early infantile epileptic encephalopathy with suppression bursts; Early infantile epileptic encephalopathy. Identifiers: Orphanet 1934, MedGen C0393706, MONDO:0800491.

Submission:

Labcorp Genetics (formerly Invitae), Labcorp
Classification: Pathogenic for Early-infantile DEE. Last evaluated: 2024-10-28. Review status: criteria provided, single submitter. Criteria: Invitae Variant Classification Sherloc (09022015). Collection method: clinical testing. Allele origin: germline.
Comment: This sequence change creates a premature translational stop signal (p.Asn1378Lysfs*2) in the SCN1A gene. It is expected to result in an absent or disrupted protein product. Loss-of-function variants in SCN1A are known to be pathogenic (PMID: 17347258, 18930999). This variant is not present in population databases (gnomAD no frequency). This variant has not been reported in the literature in individuals affected with SCN1A-related conditions. Algorithms developed to predict the effect of sequence changes on RNA splicing suggest that this variant may disrupt the consensus splice site. For these reasons, this variant has been classified as Pathogenic.

Literature cited by the submitters: PubMed 17347258; PubMed 18930999.